The following is an entry in ClinVar:

ClinVar aggregate classification (germline): Uncertain significance (1 of 4 stars; one submission).

Conditions:
Inborn genetic diseases. Identifiers: MedGen C0950123, MeSH D030342.

Submission:

Ambry Genetics
Classification: Uncertain significance for Inborn genetic diseases. Last evaluated: 2025-09-20. Review status: criteria provided, single submitter. Criteria: Ambry Variant Classification Scheme 2023. Collection method: clinical testing. Allele origin: germline.
Comment: The p.A303S variant (also known as c.907G>T), located in coding exon 7 of the BUB1B gene, results from a G to T substitution at nucleotide position 907. The alanine at codon 303 is replaced by serine, an amino acid with similar properties. This amino acid position is conserved. In addition, this alteration is predicted to be tolerated by in silico analysis. Based on the available evidence, the clinical significance of this variant remains unclear.

NM_001211.6(BUB1B):c.907G>T (p.Ala303Ser)

Gene: BUB1B (BUB1 mitotic checkpoint serine/threonine kinase B; plus strand). Cytogenetic location: 15q15.1.
Variant type: single nucleotide variant.
Coding change: c.907G>T on transcript NM_001211.6 (MANE Select); coding-DNA position 907, G replaced by T.
Protein change: p.Ala303Ser; replaces alanine 303 with serine.
Molecular consequence: missense variant.
Genome position (GRCh38, 1-based): chr15:40,185,320, G>T. VCF-style: chr15-40185320-G-T. GRCh37 (hg19) VCF-style: chr15-40477521-G-T.
Other names: short protein forms A303S.
Identifiers: ClinVar variation 4600191 (VCV004600191.1).